The following is an entry in ClinVar:

ClinVar aggregate classification (germline): Likely benign (1 of 4 stars; one submission).

Allele frequency attached by ClinVar (database versions not stated): 1000 Genomes Project 30x 0.00109; 1000 Genomes Project 0.00120; ESP Exome Variant Server 0.00523; ExAC 0.00658; gnomAD 0.00696.
gnomAD v4.1: 8,412 of 1,602,124 alleles (0.53%); highest among the groups gnomAD compares: Non-Finnish European, 0.54%; 95 homozygotes.

Submission:

CeGaT Center for Human Genetics Tuebingen
Classification: Likely benign. Last evaluated: 2022-12-01. Review status: criteria provided, single submitter. Criteria: CeGaT Center For Human Genetics Tuebingen Variant Classification Criteria Version 2. Collection method: clinical testing. Allele origin: germline. Affected: yes. Observed: 1 variant allele.
Comment: SLC6A18: BP4, BP7, BS2

NM_182632.3(SLC6A18):c.1335T>C (p.Thr445=)

Gene: SLC6A18 (solute carrier family 6 member 18; plus strand). Cytogenetic location: 5p15.33.
Variant type: single nucleotide variant.
Coding change: c.1335T>C on transcript NM_182632.3 (MANE Select); coding-DNA position 1335, T replaced by C.
Protein change: p.Thr445=; no amino-acid change (threonine 445 retained).
Molecular consequence: synonymous variant.
Genome position (GRCh38, 1-based): chr5:1,243,758, T>C. VCF-style: chr5-1243758-T-C. GRCh37 (hg19) VCF-style: chr5-1243873-T-C.
Identifiers: ClinVar variation 2655272 (VCV002655272.24), dbSNP rs149337877, ClinGen allele CA3183915.
Genomic context (GRCh38, chr5:1,243,758, plus strand): 5'-CATCACACCCCTGCTGGACGTGGGGGTCCTGCCTAGATGGGTCCCCAAGGAGGCCCTGAC[T>C]GGTGAGCGCACAGCTCCGCCGCCCTGGAGGACCCGTCCCCAGCATCTGACTGTCCACTCC-3'
Protein context (NP_872438.2, residues 435-455): LPRWVPKEAL[Thr445=]GLVCLVCFLS